The following is an entry in ClinVar:

NM_001080449.3(DNA2):c.1558G>T (p.Val520Leu)

Gene: DNA2 (DNA replication helicase/nuclease 2; minus strand). Cytogenetic location: 10q21.3.
Variant type: single nucleotide variant.
Coding change: c.1558G>T on transcript NM_001080449.3 (MANE Select); coding-DNA position 1558, G replaced by T.
Protein change: p.Val520Leu; replaces valine 520 with leucine.
Molecular consequence: missense variant. On other transcripts: non-coding transcript variant (1).
Genome position (GRCh38, 1-based): chr10:68,437,099, C>A on the plus strand (G>T on the coding strand, the complement: DNA2 is on the minus strand). VCF-style: chr10-68437099-C-A. GRCh37 (hg19) VCF-style: chr10-70196856-C-A.
Other names: short protein forms V520L.
Identifiers: ClinVar variation 2714433 (VCV002714433.3), dbSNP rs376453519, ClinGen allele CA376860005.

ClinVar aggregate classification (germline): Uncertain significance (1 of 4 stars; one submission).

gnomAD v4.1: 3 of 1,613,956 alleles (0.00019%); highest among the groups gnomAD compares: Admixed American, 0.0017%; no homozygotes.

Submission:

Labcorp Genetics (formerly Invitae), Labcorp
Classification: Uncertain significance. Last evaluated: 2024-12-06. Review status: criteria provided, single submitter. Criteria: Invitae Variant Classification Sherloc (09022015). Collection method: clinical testing. Allele origin: germline.
Comment: This sequence change replaces valine, which is neutral and non-polar, with leucine, which is neutral and non-polar, at codon 520 of the DNA2 protein (p.Val520Leu). This variant is present in population databases (no rsID available, gnomAD 0.003%). This variant has not been reported in the literature in individuals affected with DNA2-related conditions. ClinVar contains an entry for this variant (Variation ID: 2714433). Invitae Evidence Modeling of protein sequence and biophysical properties (such as structural, functional, and spatial information, amino acid conservation, physicochemical variation, residue mobility, and thermodynamic stability) indicates that this missense variant is not expected to disrupt DNA2 protein function with a negative predictive value of 80%. In summary, the available evidence is currently insufficient to determine the role of this variant in disease. Therefore, it has been classified as a Variant of Uncertain Significance.